The following is an entry in ClinVar:

NM_000466.3(PEX1):c.2785G>C (p.Ala929Pro)

Genes: GATAD1 (GATA zinc finger domain containing 1; plus strand), PEX1 (peroxisomal biogenesis factor 1; minus strand). Cytogenetic location: 7q21.2.
Variant type: single nucleotide variant.
Coding change: c.2785G>C on transcript NM_000466.3 (MANE Select); coding-DNA position 2785, G replaced by C.
Protein change: p.Ala929Pro; replaces alanine 929 with proline.
Molecular consequence: missense variant.
Genome position (GRCh38, 1-based): chr7:92,494,628, C>G on the plus strand (G>C on the coding strand, the complement: PEX1 is on the minus strand). VCF-style: chr7-92494628-C-G. GRCh37 (hg19) VCF-style: chr7-92123942-C-G.
Other names: c.2614G>C, p.Ala872Pro (NM_001282677.2); c.2161G>C, p.Ala721Pro (NM_001282678.2); short protein forms A721P, A872P, A929P.
Identifiers: ClinVar variation 985735 (VCV000985735.4), dbSNP rs754978386, ClinGen allele CA368170272.

ClinVar aggregate classification (germline): Uncertain significance. Review status: criteria provided, multiple submitters, no conflicts (2 of 4 stars). 2 submissions from 2 submitters: Uncertain significance (2). Last evaluated 2025-03-16.

Conditions:
Inborn genetic diseases. Identifiers: MedGen C0950123, MeSH D030342.

Submissions (2):

GeneDx
Classification: Uncertain significance. Last evaluated: 2025-03-16. Review status: criteria provided, single submitter. Criteria: GeneDx Variant Classification Process June 2021. Collection method: clinical testing. Allele origin: germline. Affected: yes.
Comment: Not observed at significant frequency in large population cohorts (gnomAD); In silico analysis supports that this missense variant has a deleterious effect on protein structure/function; Has not been previously published as pathogenic or benign to our knowledge

Ambry Genetics
Classification: Uncertain significance for Inborn genetic diseases. Last evaluated: 2018-04-04. Review status: criteria provided, single submitter. Criteria: Ambry exome assertion method (8-5-2015). Collection method: clinical testing. Allele origin: germline. Affected: yes. Observed: 1 variant allele.